The following is an entry in ClinVar:

ClinVar aggregate classification (germline): Uncertain significance. Review status: criteria provided, multiple submitters, no conflicts (2 of 4 stars). 2 submissions from 2 submitters: Uncertain significance (2). Last evaluated 2025-10-07.

Conditions:
Inborn genetic diseases. Identifiers: MedGen C0950123, MeSH D030342.
Peroxisome biogenesis disorder 5A (Zellweger) (PBD5A). Identifiers: Orphanet 912, MedGen C3553940, MONDO:0013932, OMIM 614866.

Allele frequency attached by ClinVar (database versions not stated): gnomAD exomes below 0.00001 and 0.00001; TOPMed below 0.00001.
gnomAD v4.1: 16 of 1,614,216 alleles (0.00099%); highest among the groups gnomAD compares: South Asian, 0.015%; 1 homozygote.

Submissions (2):

Ambry Genetics
Classification: Uncertain significance for Inborn genetic diseases. Last evaluated: 2025-10-07. Review status: criteria provided, single submitter. Criteria: Ambry Variant Classification Scheme 2023. Collection method: clinical testing. Allele origin: germline.

Labcorp Genetics (formerly Invitae), Labcorp
Classification: Uncertain significance for Peroxisome biogenesis disorder 5A (Zellweger). Last evaluated: 2021-11-17. Review status: criteria provided, single submitter. Criteria: Invitae Variant Classification Sherloc (09022015). Collection method: clinical testing. Allele origin: germline.
Comment: This sequence change replaces tyrosine, which is neutral and polar, with histidine, which is basic and polar, at codon 121 of the PEX2 protein (p.Tyr121His). This variant is present in population databases (no rsID available, gnomAD 0.003%). This variant has not been reported in the literature in individuals affected with PEX2-related conditions. Algorithms developed to predict the effect of missense changes on protein structure and function (SIFT, PolyPhen-2, Align-GVGD) all suggest that this variant is likely to be tolerated. In summary, the available evidence is currently insufficient to determine the role of this variant in disease. Therefore, it has been classified as a Variant of Uncertain Significance.

NM_000318.3(PEX2):c.361T>C (p.Tyr121His)

Gene: PEX2 (peroxisomal biogenesis factor 2; minus strand). Cytogenetic location: 8q21.13.
Variant type: single nucleotide variant.
Coding change: c.361T>C on transcript NM_000318.3 (MANE Select); coding-DNA position 361, T replaced by C.
Protein change: p.Tyr121His; replaces tyrosine 121 with histidine.
Molecular consequence: missense variant.
Genome position (GRCh38, 1-based): chr8:76,983,818, A>G on the plus strand (T>C on the coding strand, the complement: PEX2 is on the minus strand). VCF-style: chr8-76983818-A-G. GRCh37 (hg19) VCF-style: chr8-77896054-A-G.
Other names: c.361T>C, p.Tyr121His (NM_001079867.2, NM_001172086.2, NM_001172087.2); c.361T>C (NM_000318.2); short protein forms Y121H.
Identifiers: ClinVar variation 1502592 (VCV001502592.4), dbSNP rs1201697415, ClinGen allele CA371557514.